The following is an entry in ClinVar:

NM_001378183.1(PIEZO2):c.1543T>A (p.Tyr515Asn)

Gene: PIEZO2 (piezo type mechanosensitive ion channel component 2; minus strand). Cytogenetic location: 18p11.22.
Variant type: single nucleotide variant.
Coding change: c.1543T>A on transcript NM_001378183.1 (MANE Select); coding-DNA position 1543, T replaced by A.
Protein change: p.Tyr515Asn; replaces tyrosine 515 with asparagine.
Molecular consequence: missense variant.
Genome position (GRCh38, 1-based): chr18:10,794,987, A>T on the plus strand (T>A on the coding strand, the complement: PIEZO2 is on the minus strand). VCF-style: chr18-10794987-A-T. GRCh37 (hg19) VCF-style: chr18-10794985-A-T.
Other names: c.1543T>A, p.Tyr515Asn (NM_022068.4); short protein forms Y515N.
Identifiers: ClinVar variation 930615 (VCV000930615.3), dbSNP rs777924794, ClinGen allele CA401924664.

ClinVar aggregate classification (germline): Uncertain significance (1 of 4 stars; one submission).

Conditions:
Arthrogryposis, distal, with impaired proprioception and touch (DAIPT). Identifiers: MedGen C4310692, MONDO:0014941, OMIM 617146.

Submission:

Centre for Mendelian Genomics, University Medical Centre Ljubljana
Classification: Uncertain significance for Arthrogryposis, distal, with impaired proprioception and touch. Last evaluated: 2019-08-26. Review status: criteria provided, single submitter. Criteria: ACMG Guidelines, 2015. Collection method: clinical testing. Allele origin: unknown. Affected: yes.
Comment: This variant was classified as: Uncertain significance. The available evidence on this variant's pathogenicity is insufficient or conflicting. The following ACMG criteria were applied in classifying this variant: PM2,PP3.